The following is an entry in ClinVar:

ClinVar aggregate classification (germline): Likely pathogenic (1 of 4 stars; one submission).

Conditions:
Hereditary hemorrhagic telangiectasia (HHT). Also called: ORW DISEASE; Osler Weber Rendu syndrome; OSLER-RENDU-WEBER DISEASE; Osler hemorrhagic telangiectasia syndrome. Identifiers: Orphanet 774, MedGen C0039445, MONDO:0019180. Disease mechanism: loss of function.

Submission:

Labcorp Genetics (formerly Invitae), Labcorp
Classification: Likely pathogenic for Hereditary hemorrhagic telangiectasia. Last evaluated: 2023-10-06. Review status: criteria provided, single submitter. Criteria: Invitae Variant Classification Sherloc (09022015). Collection method: clinical testing. Allele origin: germline.
Comment: This sequence change replaces arginine, which is basic and polar, with glycine, which is neutral and non-polar, at codon 437 of the ENG protein (p.Arg437Gly). This variant is not present in population databases (gnomAD no frequency). This missense change has been observed in individual(s) with hereditary hemorrhagic telangiectasia (PMID: 24001356; Invitae). An algorithm developed to predict the effect of missense changes on protein structure and function (PolyPhen-2) suggests that this variant is likely to be disruptive. Algorithms developed to predict the effect of sequence changes on RNA splicing suggest that this variant may disrupt the consensus splice site. This variant disrupts the p.Arg437 amino acid residue in ENG. Other variant(s) that disrupt this residue have been determined to be pathogenic (PMID: 16752392, 20414677, 21158752, 23535011; Invitae). This suggests that this residue is clinically significant, and that variants that disrupt this residue are likely to be disease-causing. In summary, the currently available evidence indicates that the variant is pathogenic, but additional data are needed to prove that conclusively. Therefore, this variant has been classified as Likely Pathogenic.

Literature cited by the submitters: PubMed 24001356; PubMed 16752392; PubMed 20414677; PubMed 21158752; PubMed 23535011.

NM_001114753.3(ENG):c.1309C>G (p.Arg437Gly)

Genes: ENG (endoglin; minus strand), LOC102723566 (uncharacterized LOC102723566; plus strand). Cytogenetic location: 9q34.11.
Variant type: single nucleotide variant.
Coding change: c.1309C>G on transcript NM_001114753.3 (MANE Select); coding-DNA position 1309, C replaced by G.
Protein change: p.Arg437Gly; replaces arginine 437 with glycine.
Molecular consequence: missense variant.
Genome position (GRCh38, 1-based): chr9:127,819,624, G>C on the plus strand (C>G on the coding strand, the complement: ENG is on the minus strand). VCF-style: chr9-127819624-G-C. GRCh37 (hg19) VCF-style: chr9-130581903-G-C.
Other names: c.1309C>G, p.Arg437Gly (NM_000118.4); c.763C>G, p.Arg255Gly (NM_001278138.2); short protein forms R255G, R437G.
Identifiers: ClinVar variation 2735344 (VCV002735344.3), dbSNP rs1434169817, ClinGen allele CA374977973.